The following is an entry in ClinVar:

ClinVar aggregate classification (germline): Uncertain significance. Review status: criteria provided, multiple submitters, no conflicts (2 of 4 stars). 3 submissions from 3 submitters: Uncertain significance (3). Last evaluated 2025-11-02.

Conditions:
Pierson syndrome. Also called: MICROCORIA-CONGENITAL NEPHROTIC SYNDROME. Identifiers: Orphanet 2670, MedGen C1836876, MONDO:0012184, OMIM 609049.
LAMB2-related infantile-onset nephrotic syndrome. Also called: NEPHROTIC SYNDROME, TYPE 5, WITHOUT OCULAR ABNORMALITIES; NEPHROTIC SYNDROME, TYPE 5, WITH OCULAR ABNORMALITIES; Nephrotic Syndrome, type 5. Identifiers: Orphanet 306507, MedGen C3280113, MONDO:0013621, OMIM 614199.
Inborn genetic diseases. Identifiers: MedGen C0950123, MeSH D030342.

Allele frequency attached by ClinVar (database versions not stated): gnomAD exomes below 0.00001; ExAC 0.00001; TOPMed 0.00001; 1000 Genomes Project 30x 0.00016; 1000 Genomes Project 0.00020.
gnomAD v4.1: 5 of 1,614,120 alleles (0.00031%); highest among the groups gnomAD compares: East Asian, 0.011%; no homozygotes.

Submissions (3):

Ambry Genetics
Classification: Uncertain significance for Inborn genetic diseases. Last evaluated: 2025-11-02. Review status: criteria provided, single submitter. Criteria: Ambry Variant Classification Scheme 2023. Collection method: clinical testing. Allele origin: germline.

Labcorp Genetics (formerly Invitae), Labcorp
Classification: Uncertain significance for LAMB2-related infantile-onset nephrotic syndrome; Pierson syndrome. Last evaluated: 2022-08-31. Review status: criteria provided, single submitter. Criteria: Invitae Variant Classification Sherloc (09022015). Collection method: clinical testing. Allele origin: germline.
Comment: In summary, the available evidence is currently insufficient to determine the role of this variant in disease. Therefore, it has been classified as a Variant of Uncertain Significance. Algorithms developed to predict the effect of missense changes on protein structure and function are either unavailable or do not agree on the potential impact of this missense change (SIFT: "Tolerated"; PolyPhen-2: "Possibly Damaging"; Align-GVGD: "Class C0"). ClinVar contains an entry for this variant (Variation ID: 1007161). This variant has not been reported in the literature in individuals affected with LAMB2-related conditions. This variant is present in population databases (rs565877727, gnomAD 0.02%). This sequence change replaces histidine, which is basic and polar, with glutamine, which is neutral and polar, at codon 301 of the LAMB2 protein (p.His301Gln).

Fulgent Genetics
Classification: Uncertain significance for Pierson syndrome; LAMB2-related infantile-onset nephrotic syndrome. Last evaluated: 2022-01-13. Review status: criteria provided, single submitter. Criteria: ACMG Guidelines, 2015. Collection method: clinical testing. Allele origin: unknown.

NM_002292.4(LAMB2):c.903T>A (p.His301Gln)

Gene: LAMB2 (laminin subunit beta 2; minus strand). Cytogenetic location: 3p21.31.
Variant type: single nucleotide variant.
Coding change: c.903T>A on transcript NM_002292.4 (MANE Select); coding-DNA position 903, T replaced by A.
Protein change: p.His301Gln; replaces histidine 301 with glutamine.
Molecular consequence: missense variant.
Genome position (GRCh38, 1-based): chr3:49,130,962, A>T on the plus strand (T>A on the coding strand, the complement: LAMB2 is on the minus strand). VCF-style: chr3-49130962-A-T. GRCh37 (hg19) VCF-style: chr3-49168395-A-T.
Other names: c.903T>A (NM_002292.3); short protein forms H301Q.
Identifiers: ClinVar variation 1007161 (VCV001007161.5), dbSNP rs565877727, ClinGen allele CA2394771.